The following is an entry in ClinVar:

ClinVar aggregate classification (germline): Uncertain significance. Review status: criteria provided, multiple submitters, no conflicts (2 of 4 stars). 2 submissions from 2 submitters: Uncertain significance (2). Last evaluated 2026-06-17.

Conditions:
Parathyroid carcinoma (PRTC). Also called: CDC73-Related Parathyroid Carcinoma; Parathyroid gland carcinoma. Identifiers: Orphanet 143, MedGen C0687150, MONDO:0012004, OMIM 608266, HP:0006780.
Hereditary cancer-predisposing syndrome. Also called: Tumor predisposition; Hereditary neoplastic syndrome; Neoplastic Syndromes, Hereditary; Hereditary Cancer Syndrome. Identifiers: Orphanet 140162, MedGen C0027672, MeSH D009386, MONDO:0015356.

Submissions (2):

Ambry Genetics
Classification: Uncertain significance for Hereditary cancer-predisposing syndrome. Last evaluated: 2026-06-17. Review status: criteria provided, single submitter. Criteria: Ambry Variant Classification Scheme 2023. Collection method: clinical testing. Allele origin: germline.

Labcorp Genetics (formerly Invitae), Labcorp
Classification: Uncertain significance for Parathyroid carcinoma. Last evaluated: 2022-08-03. Review status: criteria provided, single submitter. Criteria: Invitae Variant Classification Sherloc (09022015). Collection method: clinical testing. Allele origin: germline.
Comment: This sequence change replaces proline, which is neutral and non-polar, with threonine, which is neutral and polar, at codon 278 of the CDC73 protein (p.Pro278Thr). This variant is not present in population databases (gnomAD no frequency). This variant has not been reported in the literature in individuals affected with CDC73-related conditions. Algorithms developed to predict the effect of missense changes on protein structure and function (SIFT, PolyPhen-2, Align-GVGD) all suggest that this variant is likely to be tolerated. In summary, the available evidence is currently insufficient to determine the role of this variant in disease. Therefore, it has been classified as a Variant of Uncertain Significance.

NM_024529.5(CDC73):c.832C>A (p.Pro278Thr)

Gene: CDC73 (cell division cycle 73; plus strand). Cytogenetic location: 1q31.2.
Variant type: single nucleotide variant.
Coding change: c.832C>A on transcript NM_024529.5 (MANE Select); coding-DNA position 832, C replaced by A.
Protein change: p.Pro278Thr; replaces proline 278 with threonine.
Molecular consequence: missense variant.
Genome position (GRCh38, 1-based): chr1:193,150,307, C>A. VCF-style: chr1-193150307-C-A. GRCh37 (hg19) VCF-style: chr1-193119437-C-A.
Other names: short protein forms P278T.
Identifiers: ClinVar variation 1714924 (VCV001714924.7), dbSNP rs2103132138, ClinGen allele CA343964851.